The following is an entry in ClinVar:

NM_001142800.2(EYS):c.4043C>T (p.Ser1348Phe)

Gene: EYS (EGF-like photoreceptor maintenance factor; minus strand). Cytogenetic location: 6q12.
Variant type: single nucleotide variant.
Coding change: c.4043C>T on transcript NM_001142800.2 (MANE Select); coding-DNA position 4043, C replaced by T.
Protein change: p.Ser1348Phe; replaces serine 1348 with phenylalanine.
Molecular consequence: missense variant.
Genome position (GRCh38, 1-based): chr6:64,591,824, G>A on the plus strand (C>T on the coding strand, the complement: EYS is on the minus strand). VCF-style: chr6-64591824-G-A. GRCh37 (hg19) VCF-style: chr6-65301717-G-A.
Other names: c.4043C>T, p.Ser1348Phe (NM_001292009.2); c.4043C>T (NM_001142800.1); short protein forms S1348F.
Identifiers: ClinVar variation 1989268 (VCV001989268.3), dbSNP rs534252763, ClinGen allele CA3877111.
Genomic context (GRCh38, chr6:64,591,824, plus strand): 5'-ACCGATGTTTTGTCCTGGACAATTTGTGCTGGGTCACGAATACCAAAATTCAGGAATCGA[G>A]AAGAGGAAACATCTGCGGAAGAAAGAAGACTGTGTTTTGCTGAAAGCTCTCTAGTGACAA-3'
Protein context (NP_001136272.1, residues 1338-1358): SLLSSADVSS[Ser1348Phe]RFLNFGIRDP

ClinVar aggregate classification (germline): Uncertain significance. Review status: criteria provided, multiple submitters, no conflicts (2 of 4 stars). 3 submissions from 3 submitters: Uncertain significance (3). Last evaluated 2024-08-01.

Conditions:
Inborn genetic diseases. Identifiers: MedGen C0950123, MeSH D030342.

Allele frequency attached by ClinVar (database versions not stated): gnomAD 0.00001; gnomAD exomes 0.00001; TOPMed 0.00002; ExAC 0.00010; 1000 Genomes Project 30x 0.00016; 1000 Genomes Project 0.00020.
gnomAD v4.1: 9 of 1,551,296 alleles (0.00058%); highest among the groups gnomAD compares: East Asian, 0.022%; no homozygotes.

Submissions (3):

Ambry Genetics
Classification: Uncertain significance for Inborn genetic diseases. Last evaluated: 2024-08-01. Review status: criteria provided, single submitter. Criteria: Ambry Variant Classification Scheme 2023. Collection method: clinical testing. Allele origin: germline.

Blueprint Genetics
Classification: Uncertain significance. Last evaluated: 2022-03-07. Review status: criteria provided, single submitter. Criteria: ACMG Guidelines, 2015. Collection method: clinical testing. Allele origin: germline.

Labcorp Genetics (formerly Invitae), Labcorp
Classification: Uncertain significance. Last evaluated: 2021-09-24. Review status: criteria provided, single submitter. Criteria: Invitae Variant Classification Sherloc (09022015). Collection method: clinical testing. Allele origin: germline.
Comment: This sequence change replaces serine with phenylalanine at codon 1348 of the EYS protein (p.Ser1348Phe). The serine residue is moderately conserved and there is a large physicochemical difference between serine and phenylalanine. This variant is present in population databases (rs534252763, ExAC 0.3%). This variant has not been reported in the literature in individuals with EYS-related conditions. Algorithms developed to predict the effect of missense changes on protein structure and function output the following: SIFT: "Deleterious"; PolyPhen-2: "Probably Damaging"; Align-GVGD: "Class C0". The phenylalanine amino acid residue is found in multiple mammalian species, suggesting that this missense change does not adversely affect protein function. These predictions have not been confirmed by published functional studies and their clinical significance is uncertain. In summary, the available evidence is currently insufficient to determine the role of this variant in disease. Therefore, it has been classified as a Variant of Uncertain Significance.